The following is an entry in ClinVar:

NM_006206.6(PDGFRA):c.282C>A (p.His94Gln)

Gene: PDGFRA (platelet derived growth factor receptor alpha; plus strand). Cytogenetic location: 4q12.
Variant type: single nucleotide variant.
Coding change: c.282C>A on transcript NM_006206.6 (MANE Select); coding-DNA position 282, C replaced by A.
Protein change: p.His94Gln; replaces histidine 94 with glutamine.
Molecular consequence: missense variant.
Genome position (GRCh38, 1-based): chr4:54,261,327, C>A. VCF-style: chr4-54261327-C-A. GRCh37 (hg19) VCF-style: chr4-55127494-C-A.
Other names: c.282C>A, p.His94Gln (NM_001347827.2, NM_001347829.2); c.357C>A, p.His119Gln (NM_001347828.2); c.321C>A, p.His107Gln (NM_001347830.2); short protein forms H94Q, H107Q, H119Q.
Identifiers: ClinVar variation 528601 (VCV000528601.12), dbSNP rs750282565, ClinGen allele CA2922263.
Genomic context (GRCh38, chr4:54,261,327, plus strand): 5'-AGAAAACAACAGCGGCCTTTTTGTGACGGTCTTGGAAGTGAGCAGTGCCTCGGCGGCCCA[C>A]ACAGGGTTGTACACTTGCTATTACAACCACACTCAGACAGAAGAGAATGAGCTTGAAGGC-3'
Protein context (NP_006197.1, residues 84-104): VLEVSSASAA[His94Gln]TGLYTCYYNH

ClinVar aggregate classification (germline): Uncertain significance. Review status: criteria provided, multiple submitters, no conflicts (2 of 4 stars). 3 submissions from 3 submitters: Uncertain significance (3). Last evaluated 2026-01-11.

Conditions:
Hereditary cancer-predisposing syndrome. Also called: Tumor predisposition; Hereditary neoplastic syndrome; Hereditary Cancer Syndrome; Neoplastic Syndromes, Hereditary. Identifiers: Orphanet 140162, MedGen C0027672, MeSH D009386, MONDO:0015356.
Gastrointestinal stromal tumor. Also called: Gastrointestinal stroma tumor; Gastrointestinal stromal tumor, somatic. Identifiers: Orphanet 44890, MedGen C0238198, MeSH D046152, MONDO:0011719, OMIM 606764, HP:0100723.
Polyps, multiple and recurrent inflammatory fibroid, gastrointestinal. Identifiers: MedGen C5193005, MONDO:0008285, OMIM 175510.

Allele frequency attached by ClinVar (database versions not stated): TOPMed below 0.00001; ExAC 0.00001; gnomAD 0.00001.
gnomAD v4.1: 7 of 1,613,964 alleles (0.00043%); highest among the groups gnomAD compares: Non-Finnish European, 0.00059%; no homozygotes.

Submissions (3):

Labcorp Genetics (formerly Invitae), Labcorp
Classification: Uncertain significance for Gastrointestinal stromal tumor. Last evaluated: 2026-01-11. Review status: criteria provided, single submitter. Criteria: Invitae Variant Classification Sherloc (09022015). Collection method: clinical testing. Allele origin: germline.
Comment: This sequence change replaces histidine, which is basic and polar, with glutamine, which is neutral and polar, at codon 94 of the PDGFRA protein (p.His94Gln). This variant is present in population databases (rs750282565, gnomAD 0.002%). This variant has not been reported in the literature in individuals affected with PDGFRA-related conditions. ClinVar contains an entry for this variant (Variation ID: 528601). Invitae Evidence Modeling of protein sequence and biophysical properties (such as structural, functional, and spatial information, amino acid conservation, physicochemical variation, residue mobility, and thermodynamic stability) indicates that this missense variant is not expected to disrupt PDGFRA protein function with a negative predictive value of 80%. In summary, the available evidence is currently insufficient to determine the role of this variant in disease. Therefore, it has been classified as a Variant of Uncertain Significance.

Ambry Genetics
Classification: Uncertain significance for Hereditary cancer-predisposing syndrome. Last evaluated: 2025-07-25. Review status: criteria provided, single submitter. Criteria: Ambry Variant Classification Scheme 2023. Collection method: clinical testing. Allele origin: germline.
Comment: The p.H94Q variant (also known as c.282C>A), located in coding exon 2 of the PDGFRA gene, results from a C to A substitution at nucleotide position 282. The histidine at codon 94 is replaced by glutamine, an amino acid with highly similar properties. This amino acid position is highly conserved in available vertebrate species. In addition, this alteration is predicted to be tolerated by in silico analysis. Based on the available evidence, the clinical significance of this variant remains unclear.

Baylor Genetics
Classification: Uncertain significance for Polyps, multiple and recurrent inflammatory fibroid, gastrointestinal. Last evaluated: 2024-03-26. Review status: criteria provided, single submitter. Criteria: ACMG Guidelines, 2015. Collection method: clinical testing. Allele origin: unknown.